The following is an entry in ClinVar:

NM_172364.5(CACNA2D4):c.577G>T (p.Ala193Ser)

Gene: CACNA2D4 (calcium voltage-gated channel auxiliary subunit alpha2delta 4; minus strand). Cytogenetic location: 12p13.33.
Variant type: single nucleotide variant.
Coding change: c.577G>T on transcript NM_172364.5 (MANE Select); coding-DNA position 577, G replaced by T.
Protein change: p.Ala193Ser; replaces alanine 193 with serine.
Molecular consequence: missense variant.
Genome position (GRCh38, 1-based): chr12:1,907,947, C>A on the plus strand (G>T on the coding strand, the complement: CACNA2D4 is on the minus strand). VCF-style: chr12-1907947-C-A. GRCh37 (hg19) VCF-style: chr12-2017113-C-A.
Other names: short protein forms A193S.
Identifiers: ClinVar variation 1401490 (VCV001401490.6), dbSNP rs751002115, ClinGen allele CA6387474.

ClinVar aggregate classification (germline): Uncertain significance (1 of 4 stars; one submission).

Allele frequency attached by ClinVar (database versions not stated): ExAC 0.00001; gnomAD exomes 0.00001.
gnomAD v4.1: 3 of 1,614,058 alleles (0.00019%); highest among the groups gnomAD compares: South Asian, 0.0033%; no homozygotes.

Submission:

Labcorp Genetics (formerly Invitae), Labcorp
Classification: Uncertain significance. Last evaluated: 2025-07-07. Review status: criteria provided, single submitter. Criteria: Invitae Variant Classification Sherloc (09022015). Collection method: clinical testing. Allele origin: germline.
Comment: This sequence change replaces alanine, which is neutral and non-polar, with serine, which is neutral and polar, at codon 193 of the CACNA2D4 protein (p.Ala193Ser). This variant is present in population databases (rs751002115, gnomAD 0.006%). This variant has not been reported in the literature in individuals affected with CACNA2D4-related conditions. ClinVar contains an entry for this variant (Variation ID: 1401490). An algorithm developed to predict the effect of missense changes on protein structure and function (PolyPhen-2) suggests that this variant is likely to be tolerated. In summary, the available evidence is currently insufficient to determine the role of this variant in disease. Therefore, it has been classified as a Variant of Uncertain Significance.